The following is an entry in ClinVar:

ClinVar aggregate classification (germline): Likely benign. Review status: criteria provided, multiple submitters, no conflicts (2 of 4 stars). 2 submissions from 2 submitters: Likely benign (2). Last evaluated 2025-06-19.

Submissions (2):

Mayo Clinic Laboratories, Mayo Clinic
Classification: Likely benign. Last evaluated: 2025-06-19. Review status: criteria provided, single submitter. Criteria: ACMG Guidelines, 2015. Collection method: clinical testing. Allele origin: germline. Observed: 2 variant alleles.
Comment: BS1, BP4, BP7

Blueprint Genetics
Classification: Likely benign. Last evaluated: 2024-11-25. Review status: criteria provided, single submitter. Criteria: ACMG Guidelines, 2015. Collection method: clinical testing. Allele origin: germline.

NM_006208.3(ENPP1):c.313+11del

Gene: ENPP1 (ectonucleotide pyrophosphatase/phosphodiesterase 1; plus strand). Cytogenetic location: 6q23.2.
Variant type: Deletion.
Coding change: c.313+11del on transcript NM_006208.3 (MANE Select); 11 bases into the intron after coding-DNA position 313, one base deleted (G; older notation c.313+11delG).
Molecular consequence: intron variant.
Genome position (GRCh38, 1-based): chr6:131,847,859, G deleted. VCF-style (leftmost placement, unchanged base first): chr6-131847858-TG-T. GRCh37 (hg19) VCF-style: chr6-132168998-TG-T.
Other names: p.?.
Identifiers: ClinVar variation 4683222 (VCV004683222.2).